The following is an entry in ClinVar:

NM_007126.5(VCP):c.124T>C (p.Ser42Pro)

Gene: VCP (valosin containing protein; minus strand). Cytogenetic location: 9p13.3.
Variant type: single nucleotide variant.
Coding change: c.124T>C on transcript NM_007126.5 (MANE Select); coding-DNA position 124, T replaced by C.
Protein change: p.Ser42Pro; replaces serine 42 with proline.
Molecular consequence: missense variant. On other transcripts: 5 prime UTR variant (2).
Genome position (GRCh38, 1-based): chr9:35,068,256, A>G on the plus strand (T>C on the coding strand, the complement: VCP is on the minus strand). VCF-style: chr9-35068256-A-G. GRCh37 (hg19) VCF-style: chr9-35068253-A-G.
Other names: c.-12T>C (NM_001354927.2, NM_001354928.2); short protein forms S42P.
Identifiers: ClinVar variation 2662020 (VCV002662020.1), dbSNP rs1238589369, ClinGen allele CA373294703.

ClinVar aggregate classification (germline): Uncertain significance (1 of 4 stars; one submission).

Allele frequency attached by ClinVar (database versions not stated): gnomAD exomes below 0.00001; gnomAD 0.00001; TOPMed 0.00001.
gnomAD v4.1: 4 of 1,614,062 alleles (0.00025%); highest among the groups gnomAD compares: Non-Finnish European, 0.00025%; no homozygotes.

Submission:

GeneDx
Classification: Uncertain significance. Last evaluated: 2023-04-04. Review status: criteria provided, single submitter. Criteria: GeneDx Variant Classification Process June 2021. Collection method: clinical testing. Allele origin: germline. Affected: yes.
Comment: Not observed at significant frequency in large population cohorts (gnomAD); In silico analysis supports that this missense variant has a deleterious effect on protein structure/function; Has not been previously published as pathogenic or benign to our knowledge